The following is an entry in ClinVar:

NM_176887.2(TAS2R46):c.54G>T (p.Val18=)

Genes: PRH1 (proline rich protein HaeIII subfamily 1; minus strand), PRH1-PRR4 (PRH1-PRR4 readthrough; minus strand), PRH1-TAS2R14 (PRH1-TAS2R14 readthrough; minus strand), TAS2R46 (taste 2 receptor member 46; minus strand). Cytogenetic location: 12p13.2.
Variant type: single nucleotide variant.
Coding change: c.54G>T on transcript NM_176887.2 (MANE Select); coding-DNA position 54, G replaced by T.
Protein change: p.Val18=; no amino-acid change (valine 18 retained).
Molecular consequence: synonymous variant. On other transcripts: intron variant (3).
Genome position (GRCh38, 1-based): chr12:11,062,241, C>A on the plus strand (G>T on the coding strand, the complement: TAS2R46 is on the minus strand). VCF-style: chr12-11062241-C-A. GRCh37 (hg19) VCF-style: chr12-11214840-C-A.
Other names: c.-133-15053G>T (NM_001291315.2, NM_001316893.2); c.-294-15053G>T (NM_001291314.2).
Identifiers: ClinVar variation 2642704 (VCV002642704.22), dbSNP rs770054079, ClinGen allele CA6451095.

ClinVar aggregate classification (germline): Likely benign (1 of 4 stars; one submission).

Allele frequency attached by ClinVar (database versions not stated): ExAC 0.00005.

Submission:

CeGaT Center for Human Genetics Tuebingen
Classification: Likely benign. Last evaluated: 2023-08-01. Review status: criteria provided, single submitter. Criteria: CeGaT Center For Human Genetics Tuebingen Variant Classification Criteria Version 2. Collection method: clinical testing. Allele origin: germline. Affected: yes. Observed: 1 variant allele.
Comment: TAS2R46: BP4, BP7